The following is an entry in ClinVar:

NM_001171613.2(PREPL):c.1304G>A (p.Arg435His)

Gene: PREPL (prolyl endopeptidase like; minus strand). Cytogenetic location: 2p21.
Variant type: single nucleotide variant.
Coding change: c.1304G>A on transcript NM_001171613.2 (MANE Select); coding-DNA position 1304, G replaced by A.
Protein change: p.Arg435His; replaces arginine 435 with histidine.
Molecular consequence: missense variant.
Genome position (GRCh38, 1-based): chr2:44,326,887, C>T on the plus strand (G>A on the coding strand, the complement: PREPL is on the minus strand). VCF-style: chr2-44326887-C-T. GRCh37 (hg19) VCF-style: chr2-44554026-C-T.
Other names: c.1571G>A, p.Arg524His (NM_006036.4, NM_001171603.1, NM_001171606.2 and 2 more transcripts); c.1385G>A, p.Arg462His (NM_001042385.2); c.1373G>A, p.Arg458His (NM_001042386.2); c.1304G>A, p.Arg435His (NM_001171617.1, NM_001374277.1); short protein forms R524H, R435H, R458H, R462H.
Identifiers: ClinVar variation 544534 (VCV000544534.6), dbSNP rs768429131, ClinGen allele CA1641145.

ClinVar aggregate classification (germline): Uncertain significance (1 of 4 stars; one submission).

Conditions:
Myasthenic syndrome, congenital, 22 (CMS22). Also called: PREPL DEFICIENCY. Identifiers: MedGen C4479088, MONDO:0044299, OMIM 616224.

Allele frequency attached by ClinVar (database versions not stated): ExAC 0.00002; gnomAD 0.00003 and 0.00004; TOPMed 0.00003; gnomAD exomes 0.00006.
gnomAD v4.1: 46 of 1,614,130 alleles (0.0028%); highest among the groups gnomAD compares: East Asian, 0.049%; no homozygotes.

Submission:

Labcorp Genetics (formerly Invitae), Labcorp
Classification: Uncertain significance for Myasthenic syndrome, congenital, 22. Last evaluated: 2017-09-28. Review status: criteria provided, single submitter. Criteria: Invitae Variant Classification Sherloc (09022015). Collection method: clinical testing. Allele origin: germline.
Comment: Algorithms developed to predict the effect of missense changes on protein structure and function do not agree on the potential impact of this missense change (SIFT: "Tolerated"; PolyPhen-2: "Possibly Damaging"; Align-GVGD: "Class C0"). This variant has not been reported in the literature in individuals with PREPL-related disease. This variant is present in population databases (rs768429131, ExAC 0.02%). This sequence change replaces arginine with histidine at codon 524 of the PREPL protein (p.Arg524His). The arginine residue is moderately conserved and there is a small physicochemical difference between arginine and histidine. In summary, the available evidence is currently insufficient to determine the role of this variant in disease. Therefore, it has been classified as a Variant of Uncertain Significance.